The following is an entry in ClinVar:

ClinVar aggregate classification (germline): Benign. Review status: criteria provided, multiple submitters, no conflicts (2 of 4 stars). 4 submissions from 4 submitters: Benign (4). Last evaluated 2026-01-18.

Conditions:
Glycogen storage disease due to muscle and heart glycogen synthase deficiency. Also called: GSD 0b; MUSCLE GLYCOGEN SYNTHASE DEFICIENCY. Identifiers: Orphanet 137625, MedGen C1969054, MONDO:0012693, OMIM 611556.

Allele frequency attached by ClinVar (database versions not stated): gnomAD 0.00007 and 0.00059; TOPMed 0.00013; gnomAD exomes 0.00098 and 0.00203; ExAC 0.00228; 1000 Genomes Project 30x 0.00375; 1000 Genomes Project 0.00419.

Submissions (4):

Labcorp Genetics (formerly Invitae), Labcorp
Classification: Benign for Glycogen storage disease due to muscle and heart glycogen synthase deficiency. Last evaluated: 2026-01-18. Review status: criteria provided, single submitter. Criteria: Invitae Variant Classification Sherloc (09022015). Collection method: clinical testing. Allele origin: germline.

GeneDx
Classification: Benign. Last evaluated: 2018-02-23. Review status: criteria provided, single submitter. Criteria: GeneDx Variant Classification (06012015). Collection method: clinical testing. Allele origin: germline. Affected: yes.
Comment: This variant is considered likely benign or benign based on one or more of the following criteria: it is a conservative change, it occurs at a poorly conserved position in the protein, it is predicted to be benign by multiple in silico algorithms, and/or has population frequency not consistent with disease.

Illumina Laboratory Services, Illumina
Classification: Benign for Glycogen storage disease due to muscle and heart glycogen synthase deficiency. Last evaluated: 2018-01-13. Review status: criteria provided, single submitter. Criteria: ICSL Variant Classification Criteria 13 December 2019. Collection method: clinical testing. Allele origin: germline.
Comment: This variant was observed in the ICSL laboratory as part of a predisposition screen in an ostensibly healthy population. It had not been previously curated by ICSL or reported in the Human Gene Mutation Database (HGMD: prior to June 1st, 2018), and was therefore a candidate for classification through an automated scoring system. Utilizing variant allele frequency, disease prevalence and penetrance estimates, and inheritance mode, an automated score was calculated to assess if this variant is too frequent to cause the disease. Based on the score and internal cut-off values, a variant classified as benign is not then subjected to further curation. The score for this variant resulted in a classification of benign for this disease.

Breakthrough Genomics
Classification: Benign. Review status: criteria provided, single submitter. Criteria: ACMG Guidelines, 2015. Collection method: not provided. Allele origin: germline. Inheritance: Autosomal recessive inheritance. Affected: yes.

NM_002103.5(GYS1):c.556G>A (p.Val186Ile)

Gene: GYS1 (glycogen synthase 1; minus strand). Cytogenetic location: 19q13.33.
Variant type: single nucleotide variant.
Coding change: c.556G>A on transcript NM_002103.5 (MANE Select); coding-DNA position 556, G replaced by A.
Protein change: p.Val186Ile; replaces valine 186 with isoleucine.
Molecular consequence: missense variant. On other transcripts: non-coding transcript variant (1).
Genome position (GRCh38, 1-based): chr19:48,985,972, C>T on the plus strand (G>A on the coding strand, the complement: GYS1 is on the minus strand). VCF-style: chr19-48985972-C-T. GRCh37 (hg19) VCF-style: chr19-49489229-C-T.
Other names: c.364G>A, p.Val122Ile (NM_001161587.2); short protein forms V186I, V122I.
Identifiers: ClinVar variation 329823 (VCV000329823.16), dbSNP rs138330298, ClinGen allele CA9563304.
Genomic context (GRCh38, chr19:48,985,972, plus strand): 5'-CATGGGTGGTGAAGATGGTTGCTACAGGCAGTCGCCGGGCACGACACAGGCAGAGTCCAA[C>T]GCCTGCCAACCACTCATGGAAGTGAGCAACCACATGTGGCTTCTCCTCACTCTGTGCCAG-3'
Protein context (NP_002094.2, residues 176-196): VAHFHEWLAG[Val186Ile]GLCLCRARRL